The following is an entry in ClinVar:

ClinVar aggregate classification (germline): Uncertain significance (1 of 4 stars; one submission).

Conditions:
Familial focal epilepsy with variable foci (FPEVF). Identifiers: Orphanet 98820, MedGen C1858477, MONDO:0020310.

Allele frequency attached by ClinVar (database versions not stated): TOPMed below 0.00001.

Submission:

Labcorp Genetics (formerly Invitae), Labcorp
Classification: Uncertain significance for Familial focal epilepsy with variable foci. Last evaluated: 2019-05-28. Review status: criteria provided, single submitter. Criteria: Invitae Variant Classification Sherloc (09022015). Collection method: clinical testing. Allele origin: germline.
Comment: This sequence change replaces serine with asparagine at codon 1075 of the DEPDC5 protein (p.Ser1075Asn). The serine residue is moderately conserved and there is a small physicochemical difference between serine and asparagine. This variant is not present in population databases (ExAC no frequency). This variant has been observed to be de novo in an individual affected with epilepsy and intellectual disability in whom a truncating variant in a different gene (p.Gln902* in CASP8AP2) could not be ruled out as cause of disease (PMID: 30525188). Algorithms developed to predict the effect of missense changes on protein structure and function are either unavailable or do not agree on the potential impact of this missense change (SIFT: "Tolerated"; PolyPhen-2: "Not Available"; Align-GVGD: "Class C0"). In summary, the available evidence is currently insufficient to determine the role of this variant in disease. Therefore, it has been classified as a Variant of Uncertain Significance.

Literature cited by the submitters: PubMed 30525188.

NM_001242896.3(DEPDC5):c.3224G>A (p.Ser1075Asn)

Gene: DEPDC5 (DEP domain containing 5, GATOR1 subcomplex subunit; plus strand). Cytogenetic location: 22q12.3.
Variant type: single nucleotide variant.
Coding change: c.3224G>A on transcript NM_001242896.3 (MANE Select); coding-DNA position 3224, G replaced by A.
Protein change: p.Ser1075Asn; replaces serine 1075 with asparagine.
Molecular consequence: missense variant. On other transcripts: non-coding transcript variant (5).
Genome position (GRCh38, 1-based): chr22:31,857,513, G>A. VCF-style: chr22-31857513-G-A. GRCh37 (hg19) VCF-style: chr22-32253499-G-A.
Other names: c.3197G>A, p.Ser1066Asn (NM_001136029.4, NM_001369903.1, NM_014662.6); c.2990G>A, p.Ser997Asn (NM_001242897.2, NM_001363854.2, NM_001364319.2); c.3224G>A, p.Ser1075Asn (NM_001363852.2, NM_001364318.2, NM_001364320.2); c.3140G>A, p.Ser1047Asn (NM_001369901.1, NM_001369902.1); short protein forms S1047N, S997N, S1075N, S1066N.
Identifiers: ClinVar variation 835487 (VCV000835487.9), dbSNP rs1399730598, ClinGen allele CA411293822.